The following is an entry in ClinVar:

ClinVar aggregate classification (germline): Uncertain significance (0 of 4 stars; one submission).

Conditions:
MC3R-related disorder. Also called: MC3R-related condition.

Submission:

PreventionGenetics, part of Exact Sciences
Classification: Uncertain significance for MC3R-related condition. Last evaluated: 2024-01-09. Review status: no assertion criteria provided. Collection method: clinical testing. Allele origin: germline.
Comment: The MC3R c.859_861delCTC variant is predicted to result in an in-frame deletion (p.Leu287del). To our knowledge, this variant has not been reported in the literature. This variant is reported in 0.0029% of alleles in individuals of Latino descent in gnomAD. At this time, the clinical significance of this variant is uncertain due to the absence of conclusive functional and genetic evidence.

NM_019888.3(MC3R):c.859_861del (p.Leu287del)

Gene: MC3R (melanocortin 3 receptor; plus strand). Cytogenetic location: 20q13.2.
Variant type: Deletion.
Coding change: c.859_861del on transcript NM_019888.3 (MANE Select); coding-DNA positions 859 to 861, 3 bases deleted (CTC; older notation c.859_861delCTC).
Protein change: p.Leu287del; deletes leucine 287.
Molecular consequence: inframe deletion.
Genome position (GRCh38, 1-based): chr20:56,249,702-56,249,704, CTC deleted; deleting any 3 consecutive bases within chr20:56,249,700-56,249,704 gives the same sequence; the c. name uses the placement nearest the transcript's 3' end. VCF-style (leftmost placement, unchanged base first): chr20-56249699-GTCC-G. GRCh37 (hg19) VCF-style: chr20-54824755-GTCC-G.
Other names: c.859_861delCTC (NM_019888.3); short protein forms L287del.
Identifiers: ClinVar variation 3348103 (VCV003348103.1).